The following is an entry in ClinVar:

NM_001097577.3(ANG):c.406C>T (p.Pro136Ser)

Genes: RNASE4 (ribonuclease A family member 4; plus strand), ANG (angiogenin; plus strand), EGILA (EGFR interacting lncRNA; minus strand). Cytogenetic location: 14q11.2.
Variant type: single nucleotide variant.
Coding change: c.406C>T on transcript NM_001097577.3 (MANE Select); coding-DNA position 406, C replaced by T.
Protein change: p.Pro136Ser; replaces proline 136 with serine.
Molecular consequence: missense variant. On other transcripts: intron variant (4).
Genome position (GRCh38, 1-based): chr14:20,693,970, C>T. VCF-style: chr14-20693970-C-T. GRCh37 (hg19) VCF-style: chr14-21162129-C-T.
Other names: c.406C>T, p.Pro136Ser (NM_001145.4, NM_001385271.1, NM_001385272.1 and 2 more transcripts); c.-18+320C>T (NM_001282192.2); c.-17-5385C>T (NM_002937.5, NM_001282193.2); c.-18+5096C>T (NM_194431.3); short protein forms P136S.
Identifiers: ClinVar variation 225053 (VCV000225053.4), dbSNP rs768899582, ClinGen allele CA358172.

ClinVar aggregate classification (germline): Uncertain significance (1 of 4 stars; one submission).

Conditions:
Inborn genetic diseases. Identifiers: MedGen C0950123, MeSH D030342.

Allele frequency attached by ClinVar (database versions not stated): gnomAD exomes 0.00001; ExAC 0.00002.
gnomAD v4.1: 2 of 1,614,134 alleles (0.00012%); highest among the groups gnomAD compares: South Asian, 0.0011%; no homozygotes.

Submission:

Ambry Genetics
Classification: Uncertain significance for Inborn genetic diseases. Last evaluated: 2012-12-04. Review status: criteria provided, single submitter. Criteria: Ambry Autosomal Dominant and X-Linked criteria (10/2015). Collection method: clinical testing. Allele origin: germline. Observed: 1 variant allele.
Comment: Please see table 3 in supplementary results of the main report. This variant has not been detected in conjunction with a pathogenic mutation to date.This variant was previously reported in the SNPDatabase as rs121909543 (Database of Single Nucleotide Polymorphisms (dbSNP). Bethesda (MD): National Center for Biotechnology Information, National Library of Medicine. (dbSNP Build ID: 135). Accessed Jan 2012). This amino acid position is highly conserved in available vertebrate species.This alteration is predicted to be probably damaging with a score of 0.997 (sensitivity: 0.24; specificity: 0.99)This alteration is predicted to be deleterious with a score of 0.000 (conservation: 2.78)